The following is an entry in ClinVar:

ClinVar aggregate classification (germline): Uncertain significance. Review status: criteria provided, multiple submitters, no conflicts (2 of 4 stars). 4 submissions from 4 submitters: Uncertain significance (3). 1 of the submissions does not count toward it. Last evaluated 2026-01-25.

Conditions:
Bloom syndrome (BLM). Also called: Bloom-Torre-Machacek syndrome. Identifiers: Orphanet 125, MedGen C0005859, MONDO:0008876, OMIM 210900.
Hereditary cancer-predisposing syndrome. Also called: Hereditary Cancer Syndrome; Hereditary neoplastic syndrome; Neoplastic Syndromes, Hereditary; Tumor predisposition. Identifiers: Orphanet 140162, MedGen C0027672, MeSH D009386, MONDO:0015356.

Allele frequency attached by ClinVar (database versions not stated): gnomAD exomes below 0.00001; gnomAD 0.00001; TOPMed 0.00001.
gnomAD v4.1: 6 of 1,605,960 alleles (0.00037%); highest among the groups gnomAD compares: Admixed American, 0.01%; no homozygotes.

Submissions (4):

Labcorp Genetics (formerly Invitae), Labcorp
Classification: Uncertain significance for Bloom syndrome. Last evaluated: 2026-01-25. Review status: criteria provided, single submitter. Criteria: Invitae Variant Classification Sherloc (09022015). Collection method: clinical testing. Allele origin: germline.
Comment: This sequence change replaces isoleucine, which is neutral and non-polar, with threonine, which is neutral and polar, at codon 1033 of the BLM protein (p.Ile1033Thr). This variant is not present in population databases (gnomAD no frequency). This variant has not been reported in the literature in individuals affected with BLM-related conditions. ClinVar contains an entry for this variant (Variation ID: 405314). Invitae Evidence Modeling of protein sequence and biophysical properties (such as structural, functional, and spatial information, amino acid conservation, physicochemical variation, residue mobility, and thermodynamic stability) indicates that this missense variant is not expected to disrupt BLM protein function with a negative predictive value of 80%. In summary, the available evidence is currently insufficient to determine the role of this variant in disease. Therefore, it has been classified as a Variant of Uncertain Significance.

Ambry Genetics
Classification: Uncertain significance for Hereditary cancer-predisposing syndrome. Last evaluated: 2025-08-02. Review status: criteria provided, single submitter. Criteria: Ambry Variant Classification Scheme 2023. Collection method: clinical testing. Allele origin: germline.
Comment: The p.I1033T variant (also known as c.3098T>C), located in coding exon 15 of the BLM gene, results from a T to C substitution at nucleotide position 3098. The isoleucine at codon 1033 is replaced by threonine, an amino acid with similar properties. This amino acid position is not well conserved in available vertebrate species. In addition, the in silico prediction for this alteration is inconclusive. Since supporting evidence is limited at this time, the clinical significance of this alteration remains unclear.

Mendelics
Classification: Uncertain significance for Bloom syndrome. Last evaluated: 2018-07-02. Review status: criteria provided, single submitter. Criteria: Mendelics Assertion Criteria 2017. Collection method: clinical testing. Allele origin: unknown.

Natera, Inc.
Classification: Uncertain significance for Bloom syndrome. Last evaluated: 2020-09-16. Review status: no assertion criteria provided. Collection method: clinical testing. Allele origin: germline. Not counted in ClinVar's aggregate classification.

NM_000057.4(BLM):c.3098T>C (p.Ile1033Thr)

Gene: BLM (BLM RecQ like helicase; plus strand). Cytogenetic location: 15q26.1.
Variant type: single nucleotide variant.
Coding change: c.3098T>C on transcript NM_000057.4 (MANE Select); coding-DNA position 3098, T replaced by C.
Protein change: p.Ile1033Thr; replaces isoleucine 1033 with threonine.
Molecular consequence: missense variant.
Genome position (GRCh38, 1-based): chr15:90,794,245, T>C. VCF-style: chr15-90794245-T-C. GRCh37 (hg19) VCF-style: chr15-91337475-T-C.
Other names: c.3098T>C, p.Ile1033Thr (NM_001287246.2, NM_001287247.2); c.1973T>C, p.Ile658Thr (NM_001287248.2); c.3098T>C (NM_000057.2); short protein forms I1033T, I658T.
Identifiers: ClinVar variation 405314 (VCV000405314.13), dbSNP rs1060500647, ClinGen allele CA16614557.